The following is an entry in ClinVar:

ClinVar aggregate classification (germline): Conflicting classifications of pathogenicity. Review status: criteria provided, conflicting classifications (1 of 4 stars). 2 submissions from 2 submitters: Likely pathogenic (1); Uncertain significance (1). Last evaluated 2023-11-29.

Conditions:
TWIST1-related craniosynostosis (CRS1). Also called: CRANIOSYNOSTOSIS 1. Identifiers: Orphanet 63440, MedGen C4551902, MONDO:0007399, OMIM 123100. Inheritance: Heterogenous inheritance pattern.
Saethre-Chotzen syndrome (SCS). Also called: ACROCEPHALY, SKULL ASYMMETRY, AND MILD SYNDACTYLY; ACS III; CHOTZEN SYNDROME. Identifiers: Orphanet 794, MedGen C0175699, MONDO:0007042, OMIM 101400.

Submissions (2):

GeneDx
Classification: Likely pathogenic. Last evaluated: 2023-11-29. Review status: criteria provided, single submitter. Criteria: GeneDx Variant Classification Process June 2021. Collection method: clinical testing. Allele origin: germline. Affected: yes.
Comment: Has been reported in a child with clinical features of Saethre-Chotzen syndrome and was inherited from a parent with mild features (PMID: 19483581); Not observed at significant frequency in large population cohorts (gnomAD); In silico analysis supports that this missense variant has a deleterious effect on protein structure/function; This variant is associated with the following publications: (PMID: 19483581)

Labcorp Genetics (formerly Invitae), Labcorp
Classification: Uncertain significance for TWIST1-related craniosynostosis; Saethre-Chotzen syndrome. Last evaluated: 2023-09-01. Review status: criteria provided, single submitter. Criteria: Invitae Variant Classification Sherloc (09022015). Collection method: clinical testing. Allele origin: germline.
Comment: This variant disrupts the p.Ile135 amino acid residue in TWIST1. Other variant(s) that disrupt this residue have been observed in individuals with TWIST1-related conditions (PMID: 33937142), which suggests that this may be a clinically significant amino acid residue. An algorithm developed to predict the effect of missense changes on protein structure and function (PolyPhen-2) suggests that this variant is likely to be disruptive. ClinVar contains an entry for this variant (Variation ID: 1000485). This missense change has been observed in individuals with clinical features of Saethre-Chotzen syndrome (PMID: 19483581; Invitae). This variant is not present in population databases (gnomAD no frequency). This sequence change replaces isoleucine, which is neutral and non-polar, with methionine, which is neutral and non-polar, at codon 135 of the TWIST1 protein (p.Ile135Met). In summary, the available evidence is currently insufficient to determine the role of this variant in disease. Therefore, it has been classified as a Variant of Uncertain Significance.

Literature cited by the submitters: PubMed 33937142 (cited by Labcorp Genetics (formerly Invitae), Labcorp); PubMed 19483581 (cited by Labcorp Genetics (formerly Invitae), Labcorp).

NM_000474.4(TWIST1):c.405C>G (p.Ile135Met)

Gene: TWIST1 (twist family bHLH transcription factor 1; minus strand). Cytogenetic location: 7p21.1.
Variant type: single nucleotide variant.
Coding change: c.405C>G on transcript NM_000474.4 (MANE Select); coding-DNA position 405, C replaced by G.
Protein change: p.Ile135Met; replaces isoleucine 135 with methionine.
Molecular consequence: missense variant. On other transcripts: non-coding transcript variant (1).
Genome position (GRCh38, 1-based): chr7:19,116,917, G>C on the plus strand (C>G on the coding strand, the complement: TWIST1 is on the minus strand). VCF-style: chr7-19116917-G-C. GRCh37 (hg19) VCF-style: chr7-19156540-G-C.
Other names: c.405C>G (NM_000474.3); short protein forms I135M.
Identifiers: ClinVar variation 1000485 (VCV001000485.9), dbSNP rs757121861, ClinGen allele CA367015509.